The following is an entry in ClinVar:

NM_003680.4(YARS1):c.642G>A (p.Met214Ile)

Gene: YARS1 (tyrosyl-tRNA synthetase 1; minus strand). Cytogenetic location: 1p35.1.
Variant type: single nucleotide variant.
Coding change: c.642G>A on transcript NM_003680.4 (MANE Select); coding-DNA position 642, G replaced by A.
Protein change: p.Met214Ile; replaces methionine 214 with isoleucine.
Molecular consequence: missense variant.
Genome position (GRCh38, 1-based): chr1:32,791,204, C>T on the plus strand (G>A on the coding strand, the complement: YARS1 is on the minus strand). VCF-style: chr1-32791204-C-T. GRCh37 (hg19) VCF-style: chr1-33256805-C-T.
Other names: c.642G>A (NM_003680.3); short protein forms M214I.
Identifiers: ClinVar variation 1681518 (VCV001681518.7), dbSNP rs930469813, ClinGen allele CA20282082.
Genomic context (GRCh38, chr1:32,791,204, plus strand): 5'-TCTCAGCTGGCAACTTACCTCTTCTGAAGAGCTCATTTTGCTGCCTGTTAATCCTGGAAC[C>T]ATAGGATTCATCAGATGGACCCGTTTTGAATAGCCAAGTGCAGGGAGGTACTGAGAGATT-3'
Protein context (NP_003671.1, residues 204-224): YSKRVHLMNP[Met214Ile]VPGLTGSKMS

ClinVar aggregate classification (germline): Uncertain significance. Review status: criteria provided, multiple submitters, no conflicts (2 of 4 stars). 2 submissions from 2 submitters: Uncertain significance (2). Last evaluated 2026-03-26.

Conditions:
Inborn genetic diseases. Identifiers: MedGen C0950123, MeSH D030342.
Charcot-Marie-Tooth disease dominant intermediate C (CMTDIC). Also called: CHARCOT-MARIE-TOOTH NEUROPATHY, DOMINANT INTERMEDIATE C. Identifiers: Orphanet 100045, MedGen C1842237, MONDO:0012012, OMIM 608323.

Allele frequency attached by ClinVar (database versions not stated): gnomAD exomes below 0.00001; gnomAD 0.00001; TOPMed 0.00002.
gnomAD v4.1: 11 of 1,613,956 alleles (0.00068%); highest among the groups gnomAD compares: Non-Finnish European, 0.00085%; no homozygotes.

Submissions (2):

Ambry Genetics
Classification: Uncertain significance for Inborn genetic diseases. Last evaluated: 2026-03-26. Review status: criteria provided, single submitter. Criteria: Ambry Variant Classification Scheme 2023. Collection method: clinical testing. Allele origin: germline.
Comment: The c.642G>A (p.M214I) alteration is located in exon 6 (coding exon 6) of the YARS gene. This alteration results from a G to A substitution at nucleotide position 642, causing the methionine (M) at amino acid position 214 to be replaced by an isoleucine (I). Based on data from gnomAD, the A allele has an overall frequency of <0.001% (1/251470) total alleles studied. The highest observed frequency was 0.001% (1/113748) of European (non-Finnish) alleles. Based on insufficient or conflicting evidence, the clinical significance of this alteration remains unclear.

Labcorp Genetics (formerly Invitae), Labcorp
Classification: Uncertain significance for Charcot-Marie-Tooth disease dominant intermediate C. Last evaluated: 2024-07-31. Review status: criteria provided, single submitter. Criteria: Invitae Variant Classification Sherloc (09022015). Collection method: clinical testing. Allele origin: germline.
Comment: This sequence change replaces methionine, which is neutral and non-polar, with isoleucine, which is neutral and non-polar, at codon 214 of the YARS protein (p.Met214Ile). This variant is present in population databases (no rsID available, gnomAD 0.0009%). This variant has not been reported in the literature in individuals affected with YARS-related conditions. ClinVar contains an entry for this variant (Variation ID: 1681518). Advanced modeling of protein sequence and biophysical properties (such as structural, functional, and spatial information, amino acid conservation, physicochemical variation, residue mobility, and thermodynamic stability) performed at Invitae indicates that this missense variant is expected to disrupt YARS protein function with a positive predictive value of 80%. In summary, the available evidence is currently insufficient to determine the role of this variant in disease. Therefore, it has been classified as a Variant of Uncertain Significance.